The following is an entry in ClinVar:

NM_001371986.1(UNC80):c.6883G>A (p.Gly2295Ser)

Gene: UNC80 (unc-80 homolog, NALCN channel complex subunit; plus strand). Cytogenetic location: 2q34.
Variant type: single nucleotide variant.
Coding change: c.6883G>A on transcript NM_001371986.1 (MANE Select); coding-DNA position 6883, G replaced by A.
Protein change: p.Gly2295Ser; replaces glycine 2295 with serine.
Molecular consequence: missense variant.
Genome position (GRCh38, 1-based): chr2:209,941,457, G>A. VCF-style: chr2-209941457-G-A. GRCh37 (hg19) VCF-style: chr2-210806181-G-A.
Other names: c.6685G>A, p.Gly2229Ser (NM_032504.2); c.6670G>A, p.Gly2224Ser (NM_182587.4); c.6685G>A (NM_032504.1); short protein forms G2229S, G2295S, G2224S.
Identifiers: ClinVar variation 1357584 (VCV001357584.7), dbSNP rs1415933586, ClinGen allele CA350773098.

ClinVar aggregate classification (germline): Uncertain significance. Review status: criteria provided, multiple submitters, no conflicts (2 of 4 stars). 2 submissions from 2 submitters: Uncertain significance (2). Last evaluated 2023-08-04.

Conditions:
Inborn genetic diseases. Identifiers: MedGen C0950123, MeSH D030342.

Allele frequency attached by ClinVar (database versions not stated): gnomAD 0.00001; TOPMed 0.00002; gnomAD exomes 0.00001.
gnomAD v4.1: 15 of 1,540,882 alleles (0.00097%); highest among the groups gnomAD compares: East Asian, 0.0049%; no homozygotes.

Submissions (2):

Labcorp Genetics (formerly Invitae), Labcorp
Classification: Uncertain significance. Last evaluated: 2023-08-04. Review status: criteria provided, single submitter. Criteria: Invitae Variant Classification Sherloc (09022015). Collection method: clinical testing. Allele origin: germline.
Comment: This sequence change replaces glycine, which is neutral and non-polar, with serine, which is neutral and polar, at codon 2229 of the UNC80 protein (p.Gly2229Ser). The frequency data for this variant in the population databases is considered unreliable, as metrics indicate poor data quality at this position in the gnomAD database. This variant has not been reported in the literature in individuals affected with UNC80-related conditions. ClinVar contains an entry for this variant (Variation ID: 1357584). Advanced modeling of protein sequence and biophysical properties (such as structural, functional, and spatial information, amino acid conservation, physicochemical variation, residue mobility, and thermodynamic stability) performed at Invitae indicates that this missense variant is not expected to disrupt UNC80 protein function. In summary, the available evidence is currently insufficient to determine the role of this variant in disease. Therefore, it has been classified as a Variant of Uncertain Significance.

Ambry Genetics
Classification: Uncertain significance for Inborn genetic diseases. Last evaluated: 2021-07-14. Review status: criteria provided, single submitter. Criteria: Ambry Variant Classification Scheme 2023. Collection method: clinical testing. Allele origin: germline.